The following is an entry in ClinVar:

NM_000558.5(HBA1):c.223G>A (p.Asp75Asn)

Genes: HBA1 (hemoglobin subunit alpha 1; plus strand), LOC106804613 (hemoglobin subunit alpha 1 recombination region; plus strand). Cytogenetic location: 16p13.3.
Variant type: single nucleotide variant.
Coding change: c.223G>A on transcript NM_000558.5 (MANE Select); coding-DNA position 223, G replaced by A.
Protein change: p.Asp75Asn; replaces aspartic acid 75 with asparagine.
Molecular consequence: missense variant.
Genome position (GRCh38, 1-based): chr16:177,056, G>A. VCF-style: chr16-177056-G-A. GRCh37 (hg19) VCF-style: chr16-227055-G-A.
Other names: D74N; short protein forms D75N.
Identifiers: ClinVar variation 15732 (VCV000015732.5), dbSNP rs28928875, ClinGen allele CA125735.

ClinVar aggregate classification (germline): Uncertain significance. Review status: criteria provided, multiple submitters, no conflicts (2 of 4 stars). 3 submissions from 3 submitters: Uncertain significance (2). 1 of the submissions does not count toward it. Last evaluated 2024-04-11.

Conditions:
HEMOGLOBIN G (PEST).

Submissions (3):

Women's Health and Genetics/Laboratory Corporation of America, LabCorp
Classification: Uncertain significance. Last evaluated: 2024-04-11. Review status: criteria provided, single submitter. Criteria: LabCorp Variant Classification Summary - May 2015. Collection method: clinical testing. Allele origin: germline.
Comment: Variant summary: HBA1 c.223G>A (p.Asp75Asn) results in a conservative amino acid change located in the Globin (IPR000971) of the encoded protein sequence. Three of five in-silico tools predict a benign effect of the variant on protein function. The variant was absent in 140444 control chromosomes. The available data on variant occurrences in the general population are insufficient to allow any conclusion about variant significance. c.223G>A has been reported in the literature (Mamalaki_1990, Kimura_2015). These report(s) do not provide unequivocal conclusions about association of the variant with Alpha Thalassemia. To our knowledge, no experimental evidence demonstrating an impact on protein function has been reported. The following publications have been ascertained in the context of this evaluation (PMID: 25818820, 2227935). ClinVar contains an entry for this variant (Variation ID: 15732). Based on the evidence outlined above, the variant was classified as uncertain significance.

Quest Diagnostics Nichols Institute San Juan Capistrano
Classification: Uncertain significance. Last evaluated: 2021-01-15. Review status: criteria provided, single submitter. Criteria: Quest Diagnostics criteria. Collection method: clinical testing. Allele origin: unknown.

OMIM
Classification: other for HEMOGLOBIN G (PEST). Last evaluated: 1990-10-01. Review status: no assertion criteria provided. Collection method: literature only. Allele origin: germline. Not counted in ClinVar's aggregate classification.

Literature cited by the submitters: PubMed 25818820 (cited by Women's Health and Genetics/Laboratory Corporation of America, LabCorp and Quest Diagnostics Nichols Institute San Juan Capistrano); PubMed 2227935 (cited by 3 submitters); PubMed 26635043 (cited by Quest Diagnostics Nichols Institute San Juan Capistrano); PubMed 4550395 (cited by Quest Diagnostics Nichols Institute San Juan Capistrano and OMIM); PubMed 893135 (cited by Quest Diagnostics Nichols Institute San Juan Capistrano); PubMed 6814490 (cited by Quest Diagnostics Nichols Institute San Juan Capistrano); Brimhall, B., Duerst, M., Hollan, S. R., Stenzel, P., Szelenyi, J., Jones, R. T. Structural characterizations of hemoglobins J-Buda (alpha 61 (E10) lys-to-asn) and G-Pest (alpha 74 (EF3) asp-to-asn). Biochim. Biophys. Acta 336: 344-360, 1974. (cited by OMIM).